The following is an entry in ClinVar:

ClinVar aggregate classification (germline): Pathogenic (1 of 4 stars; one submission).

Conditions:
Familial thoracic aortic aneurysm and aortic dissection (TAAD). Also called: Thoracic aortic aneurysms and dissections. Identifiers: Orphanet 91387, MedGen C4707243, MONDO:0019625.

Submission:

Ambry Genetics
Classification: Pathogenic for Familial thoracic aortic aneurysm and aortic dissection. Last evaluated: 2020-09-15. Review status: criteria provided, single submitter. Criteria: Ambry Variant Classification Scheme 2023. Collection method: clinical testing. Allele origin: germline.
Comment: The c.2150_2153delTGACinsGTG pathogenic mutation, located in coding exon 17 of the FBN1 gene, results from the deletion of 4 nucleotides and insertion of 3 nucleotides causing a translational frameshift with a predicted alternate stop codon (p.M717Sfs*8). This alteration is expected to result in loss of function by premature protein truncation or nonsense-mediated mRNA decay. As such, this alteration is interpreted as a disease-causing mutation.

NM_000138.5(FBN1):c.2150_2153delinsGTG (p.Met717fs)

Gene: FBN1 (fibrillin 1; minus strand). Cytogenetic location: 15q21.1.
Variant type: Indel.
Coding change: c.2150_2153delinsGTG on transcript NM_000138.5 (MANE Select); coding-DNA positions 2150 to 2153, TGAC replaced by GTG.
Protein change: p.Met717fs; shifts the reading frame from methionine 717.
Molecular consequence: frameshift variant.
Genome position (GRCh38, 1-based): chr15:48,498,999-48,499,002, GTCA replaced by CAC on the plus strand (TGAC replaced by GTG on the coding strand, the reverse complement: FBN1 is on the minus strand). VCF-style: chr15-48498999-GTCA-CAC. GRCh37 (hg19) VCF-style: chr15-48791196-GTCA-CAC.
Other names: c.2150_2153delTGACinsGTG, p.Met717Serfs (NM_001406716.1); short protein forms M717fs.
Identifiers: ClinVar variation 1786736 (VCV001786736.2), dbSNP rs2505580243, ClinGen allele CA2580089666.